The following is an entry in ClinVar:

ClinVar aggregate classification (germline): Uncertain significance (1 of 4 stars; one submission).

Conditions:
Oto-palato-digital syndrome, type II (OPD2). Also called: Otopalatodigital Syndrome Type 2 (FLNA-OPD2); FACIOPALATOOSSEOUS SYNDROME; OPD II SYNDROME; Otopalatodigital Syndrome, Type II. Identifiers: Orphanet 669, Orphanet 90652, MedGen C1844696, MONDO:0010571, OMIM 304120.
Heterotopia, periventricular, X-linked dominant (PVNH1). Also called: PERIVENTRICULAR NODULAR HETEROTOPIA 1; X-linked periventricular heterotopia; PERIVENTRICULAR NODULAR HETEROTOPIA 4; HETEROTOPIA, PERIVENTRICULAR, 1. Identifiers: Orphanet 2149, Orphanet 82004, MedGen C1848213, MONDO:0010233, OMIM 300049.
Melnick-Needles syndrome (MNS). Also called: Melnick-Needles Syndrome (FLNA-MNS); MELNICK-NEEDLES OSTEODYSPLASTY; OSTEODYSPLASTY OF MELNICK AND NEEDLES. Identifiers: Orphanet 2484, MedGen C0025237, MONDO:0010650, OMIM 309350.
Frontometaphyseal dysplasia (FMD1). Identifiers: Orphanet 1826, MedGen C0265293, MONDO:0015942.

Submission:

Labcorp Genetics (formerly Invitae), Labcorp
Classification: Uncertain significance for Oto-palato-digital syndrome, type II; Heterotopia, periventricular, X-linked dominant; Frontometaphyseal dysplasia; Melnick-Needles syndrome. Last evaluated: 2025-10-26. Review status: criteria provided, single submitter. Criteria: Invitae Variant Classification Sherloc (09022015). Collection method: clinical testing. Allele origin: germline.
Comment: This sequence change replaces proline, which is neutral and non-polar, with serine, which is neutral and polar, at codon 758 of the FLNA protein (p.Pro758Ser). This variant is not present in population databases (gnomAD no frequency). This variant has not been reported in the literature in individuals affected with FLNA-related conditions. ClinVar contains an entry for this variant (Variation ID: 2924390). Invitae Evidence Modeling of protein sequence and biophysical properties (such as structural, functional, and spatial information, amino acid conservation, physicochemical variation, residue mobility, and thermodynamic stability) has been performed for this missense variant. However, the output from this modeling did not meet the statistical confidence thresholds required to predict the impact of this variant on FLNA protein function. In summary, the available evidence is currently insufficient to determine the role of this variant in disease. Therefore, it has been classified as a Variant of Uncertain Significance.

NM_001110556.2(FLNA):c.2272C>T (p.Pro758Ser)

Gene: FLNA (filamin A; minus strand). Cytogenetic location: Xq28.
Variant type: single nucleotide variant.
Coding change: c.2272C>T on transcript NM_001110556.2 (MANE Select); coding-DNA position 2272, C replaced by T.
Protein change: p.Pro758Ser; replaces proline 758 with serine.
Molecular consequence: missense variant.
Genome position (GRCh38, 1-based): chrX:154,364,030, G>A on the plus strand (C>T on the coding strand, the complement: FLNA is on the minus strand). VCF-style: chrX-154364030-G-A. GRCh37 (hg19) VCF-style: chrX-153592398-G-A.
Other names: c.2272C>T, p.Pro758Ser (NM_001456.4); short protein forms P758S.
Identifiers: ClinVar variation 2924390 (VCV002924390.3), dbSNP rs2522752681, ClinGen allele CA415237628.
Genomic context (GRCh38, chrX:154,364,030, plus strand): 5'-TGCTACGTGAATGCTATCGAGATGGACTAAAGGCCGGTGGAGGTTGGCTCACCCTGAAGG[G>A]GCTGTTGGGGATGCTGACGCCTCCCCAGGACACCATGGCTGTGTGCTTCACCGGCTTCCT-3'
Protein context (NP_001104026.1, residues 748-768): SWGGVSIPNS[Pro758Ser]FRVNVGAGSH